The following is an entry in ClinVar:

NM_006648.4(WNK2):c.2927C>G (p.Pro976Arg)

Gene: WNK2 (WNK lysine deficient protein kinase 2; plus strand). Cytogenetic location: 9q22.31.
Variant type: single nucleotide variant.
Coding change: c.2927C>G on transcript NM_006648.4 (MANE Select); coding-DNA position 2927, C replaced by G.
Protein change: p.Pro976Arg; replaces proline 976 with arginine.
Molecular consequence: missense variant.
Genome position (GRCh38, 1-based): chr9:93,259,475, C>G. VCF-style: chr9-93259475-C-G. GRCh37 (hg19) VCF-style: chr9-96021757-C-G.
Other names: c.2927C>G, p.Pro976Arg (NM_001282394.3); short protein forms P976R.
Identifiers: ClinVar variation 4201666 (VCV004201666.1).

ClinVar aggregate classification (germline): Uncertain significance (1 of 4 stars; one submission).

Submission:

Ambry Genetics
Classification: Uncertain significance. Last evaluated: 2025-07-28. Review status: criteria provided, single submitter. Criteria: Ambry Variant Classification Scheme 2023. Collection method: clinical testing. Allele origin: germline.
Comment: The p.P976R variant (also known as c.2927C>G), located in coding exon 11 of the WNK2 gene, results from a C to G substitution at nucleotide position 2927. The proline at codon 976 is replaced by arginine, an amino acid with dissimilar properties. This amino acid position is conserved. In addition, this alteration is predicted to be tolerated by in silico analysis. Based on the available evidence, the clinical significance of this variant remains unclear.